The following is an entry in ClinVar:

NM_000038.6(APC):c.8082T>G (p.Ile2694Met)

Gene: APC (APC regulator of Wnt signaling pathway; plus strand). Cytogenetic location: 5q22.2.
Variant type: single nucleotide variant.
Coding change: c.8082T>G on transcript NM_000038.6 (MANE Select); coding-DNA position 8082, T replaced by G.
Protein change: p.Ile2694Met; replaces isoleucine 2694 with methionine.
Molecular consequence: missense variant.
Genome position (GRCh38, 1-based): chr5:112,843,676, T>G. VCF-style: chr5-112843676-T-G. GRCh37 (hg19) VCF-style: chr5-112179373-T-G.
Other names: c.8082T>G, p.Ile2694Met (NM_001127510.3, NM_001354895.2, NM_001407450.1); c.8028T>G, p.Ile2676Met (NM_001127511.3); c.8136T>G, p.Ile2712Met (NM_001354896.2, NM_001407447.1, NM_001407448.1 and 1 more transcripts); c.8112T>G, p.Ile2704Met (NM_001354897.2); c.8007T>G, p.Ile2669Met (NM_001354898.2); c.7998T>G, p.Ile2666Met (NM_001354899.2); c.7959T>G, p.Ile2653Met (NM_001354900.2); c.7905T>G, p.Ile2635Met (NM_001354901.2, NM_001407453.1); and 11 more; short protein forms I2653M, I2666M, I2687M, I2704M, I2712M, I2568M, I2593M, I2611M.
Identifiers: ClinVar variation 1761921 (VCV001761921.6), dbSNP rs2149998938, ClinGen allele CA16038880.

ClinVar aggregate classification (germline): Uncertain significance. Review status: criteria provided, multiple submitters, no conflicts (2 of 4 stars). 3 submissions from 3 submitters: Uncertain significance (3). Last evaluated 2023-06-08.

Conditions:
Classic or attenuated familial adenomatous polyposis. Identifiers: MedGen CN372698, MONDO:0021057.
Hereditary cancer-predisposing syndrome. Also called: Neoplastic Syndromes, Hereditary; Tumor predisposition; Hereditary Cancer Syndrome; Hereditary neoplastic syndrome. Identifiers: Orphanet 140162, MedGen C0027672, MeSH D009386, MONDO:0015356.
Familial adenomatous polyposis 1 (FAP1). Also called: FAMILIAL ADENOMATOUS POLYPOSIS 1, ATTENUATED; POLYPOSIS, ADENOMATOUS INTESTINAL. Identifiers: MedGen C2713442, MONDO:0021056, OMIM 175100. Disease mechanism: loss of function.

Submissions (3):

All of Us Research Program, National Institutes of Health
Classification: Uncertain significance for Classic or attenuated familial adenomatous polyposis. Last evaluated: 2023-06-08. Review status: criteria provided, single submitter. Criteria: ACMG Guidelines, 2015. Collection method: clinical testing. Allele origin: germline. Inheritance: Autosomal dominant inheritance. Observed: 1 variant allele, 1 heterozygote.
Comment: This missense variant replaces isoleucine with methionine at codon 2694 of the APC protein. Computational prediction suggests that this variant may not impact protein structure and function (internally defined REVEL score threshold <= 0.5, PMID: 27666373). To our knowledge, functional studies have not been reported for this variant. This variant has not been reported in individuals affected with APC-related disorders in the literature. This variant has not been identified in the general population by the Genome Aggregation Database (gnomAD). The available evidence is insufficient to determine the role of this variant in disease conclusively. Therefore, this variant is classified as a Variant of Uncertain Significance.

This study involves interpretation of variants in research participants for the purpose of population health screening. Participant phenotype was not available at the time of variant classification. Additional details can be found in publication PMID: 35346344, PMCID: PMC8962531

Labcorp Genetics (formerly Invitae), Labcorp
Classification: Uncertain significance for Familial adenomatous polyposis 1. Last evaluated: 2022-11-09. Review status: criteria provided, single submitter. Criteria: Invitae Variant Classification Sherloc (09022015). Collection method: clinical testing. Allele origin: germline.
Comment: Advanced modeling of protein sequence and biophysical properties (such as structural, functional, and spatial information, amino acid conservation, physicochemical variation, residue mobility, and thermodynamic stability) performed at Invitae indicates that this missense variant is not expected to disrupt APC protein function. This variant has not been reported in the literature in individuals affected with APC-related conditions. This variant is not present in population databases (gnomAD no frequency). This sequence change replaces isoleucine, which is neutral and non-polar, with methionine, which is neutral and non-polar, at codon 2694 of the APC protein (p.Ile2694Met). In summary, the available evidence is currently insufficient to determine the role of this variant in disease. Therefore, it has been classified as a Variant of Uncertain Significance.

Ambry Genetics
Classification: Uncertain significance for Hereditary cancer-predisposing syndrome. Last evaluated: 2022-03-24. Review status: criteria provided, single submitter. Criteria: Ambry Variant Classification Scheme 2023. Collection method: clinical testing. Allele origin: germline.
Comment: The p.I2694M variant (also known as c.8082T>G), located in coding exon 15 of the APC gene, results from a T to G substitution at nucleotide position 8082. The isoleucine at codon 2694 is replaced by methionine, an amino acid with highly similar properties. This amino acid position is conserved. In addition, in silico predictors for this gene do not accurately predict pathogenicity. Since supporting evidence is limited at this time, the clinical significance of this alteration remains unclear.